The following is an entry in ClinVar:

ClinVar aggregate classification (germline): Conflicting classifications of pathogenicity. Review status: criteria provided, conflicting classifications (1 of 4 stars). 4 submissions from 4 submitters: Uncertain significance (3); Likely benign (1). Last evaluated 2025-11-24.

Conditions:
Inborn genetic diseases. Identifiers: MedGen C0950123, MeSH D030342.
Bethlem myopathy 1A. Also called: Bethlem Muscular Dystrophy; MYOPATHY, BENIGN CONGENITAL, WITH CONTRACTURES; Bethlem myopathy 1. Identifiers: Orphanet 610, MedGen CN029274, MONDO:0024530, OMIM 158810.

Allele frequency attached by ClinVar (database versions not stated): ExAC 0.00005.
gnomAD v4.1: 24 of 1,595,302 alleles (0.0015%); highest among the groups gnomAD compares: South Asian, 0.024%; no homozygotes.

Submissions (4):

Labcorp Genetics (formerly Invitae), Labcorp
Classification: Likely benign for Bethlem myopathy 1A. Last evaluated: 2025-11-24. Review status: criteria provided, single submitter. Criteria: Invitae Variant Classification Sherloc (09022015). Collection method: clinical testing. Allele origin: germline.

Ambry Genetics
Classification: Uncertain significance for Inborn genetic diseases. Last evaluated: 2021-08-10. Review status: criteria provided, single submitter. Criteria: Ambry Variant Classification Scheme 2023. Collection method: clinical testing. Allele origin: germline.

Revvity Omics, Revvity
Classification: Uncertain significance. Last evaluated: 2019-08-22. Review status: criteria provided, single submitter. Criteria: ACMG Guidelines, 2015. Collection method: clinical testing. Allele origin: germline.

Neuberg Centre For Genomic Medicine, NCGM
Classification: Uncertain significance for Bethlem myopathy 1A. Review status: criteria provided, single submitter. Criteria: ACMG Guidelines, 2015. Collection method: clinical testing. Allele origin: germline. Inheritance: Autosomal recessive inheritance. Affected: yes.
Comment: The missense c.4282C>Tp.Pro1428Ser variant in COL6A3 gene has not been reported previously as a pathogenic variant nor as a benign variant, to our knowledge. The variant has been reported with allele frequency of 0.004% in gnomAD Exomes and is novel not in any individuals in 1000 Genomes database. This variant has not been reported to the ClinVar database. The amino acid change p.Pro1428Ser in COL6A3 is predicted as conserved by GERP++ and PhyloP across 100 vertebrates. The amino acid Pro at position 1428 is changed to a Ser changing protein sequence and it might alter its composition and physico-chemical properties. For these reasons, this variant has been classified as Variant of Uncertain Significance VUS.

NM_004369.4(COL6A3):c.4282C>T (p.Pro1428Ser)

Gene: COL6A3 (collagen type VI alpha 3 chain; minus strand). Cytogenetic location: 2q37.3.
Variant type: single nucleotide variant.
Coding change: c.4282C>T on transcript NM_004369.4 (MANE Select); coding-DNA position 4282, C replaced by T.
Protein change: p.Pro1428Ser; replaces proline 1428 with serine.
Molecular consequence: missense variant.
Genome position (GRCh38, 1-based): chr2:237,371,735, G>A on the plus strand (C>T on the coding strand, the complement: COL6A3 is on the minus strand). VCF-style: chr2-237371735-G-A. GRCh37 (hg19) VCF-style: chr2-238280378-G-A.
Other names: c.3061C>T, p.Pro1021Ser (NM_057164.5); c.3664C>T, p.Pro1222Ser (NM_057165.5, NM_057167.4); c.2461C>T, p.Pro821Ser (NM_057166.5); short protein forms P1021S, P1428S, P1222S, P821S.
Identifiers: ClinVar variation 2242478 (VCV002242478.9), dbSNP rs746007396, ClinGen allele CA2188956.